The following is an entry in ClinVar:

NM_006017.3(PROM1):c.1576C>T (p.Arg526Trp)

Gene: PROM1 (prominin 1; minus strand). Cytogenetic location: 4p15.32.
Variant type: single nucleotide variant.
Coding change: c.1576C>T on transcript NM_006017.3 (MANE Select); coding-DNA position 1576, C replaced by T.
Protein change: p.Arg526Trp; replaces arginine 526 with tryptophan.
Molecular consequence: missense variant.
Genome position (GRCh38, 1-based): chr4:16,000,498, G>A on the plus strand (C>T on the coding strand, the complement: PROM1 is on the minus strand). VCF-style: chr4-16000498-G-A. GRCh37 (hg19) VCF-style: chr4-16002121-G-A.
Other names: c.1549C>T, p.Arg517Trp (NM_001145847.2, NM_001145848.2, NM_001145851.2 and 4 more transcripts); c.1576C>T, p.Arg526Trp (NM_001145849.2, NM_001145850.2); short protein forms R526W, R517W.
Identifiers: ClinVar variation 347990 (VCV000347990.21), dbSNP rs201870277, ClinGen allele CA2866732.

ClinVar aggregate classification (germline): Conflicting classifications of pathogenicity. Review status: criteria provided, conflicting classifications (1 of 4 stars). 9 submissions from 7 submitters: Likely pathogenic (1); Uncertain significance (7). 1 of the submissions does not count toward it. Last evaluated 2026-09-09.

Conditions:
PROM1-related disorder. Also called: PROM1-related condition; PROM1-related disorders.
Retinitis pigmentosa (RP). Identifiers: Orphanet 791, MedGen C0035334, MeSH D012174, MONDO:0019200, OMIM 268000. Inheritance: Autosomal dominant, autosomal recessive and X linked inheritance.
Retinal macular dystrophy type 2 (MCDR2). Also called: Bull's eye macular dystrophy. Identifiers: Orphanet 319640, MedGen C4749334, MONDO:0011957, OMIM 608051.
Stargardt disease 4 (STGD4). Identifiers: Orphanet 827, MedGen C1863534, MONDO:0011370, OMIM 603786.
Retinal dystrophy. Also called: Inherited retinal dystrophy. Identifiers: Orphanet 71862, MedGen C0854723, MeSH D058499, MONDO:0019118, HP:0000556.

Allele frequency attached by ClinVar (database versions not stated): TOPMed 0.00005; ExAC 0.00007; gnomAD exomes 0.00007.
gnomAD v4.1: 58 of 1,582,024 alleles (0.0037%); highest among the groups gnomAD compares: Middle Eastern, 0.033%; no homozygotes.

Submissions (9):

PreventionGenetics, part of Exact Sciences
Classification: Uncertain significance for PROM1-related condition. Last evaluated: 2026-09-09. Review status: criteria provided, single submitter. Criteria: ACMG Guidelines, 2015. Collection method: clinical testing. Allele origin: germline.
Comment: The PROM1 c.1576C>T variant is predicted to result in the amino acid substitution p.Arg526Trp. To our knowledge, this variant has not been reported in the literature. This variant is reported in 0.030% of alleles in individuals of Latino descent in gnomAD. At this time, the clinical significance of this variant is uncertain due to the absence of conclusive functional and genetic evidence.

Labcorp Genetics (formerly Invitae), Labcorp
Classification: Uncertain significance. Last evaluated: 2024-08-23. Review status: criteria provided, single submitter. Criteria: Invitae Variant Classification Sherloc (09022015). Collection method: clinical testing. Allele origin: germline.
Comment: This sequence change replaces arginine, which is basic and polar, with tryptophan, which is neutral and slightly polar, at codon 526 of the PROM1 protein (p.Arg526Trp). This variant is present in population databases (rs201870277, gnomAD 0.03%). This variant has not been reported in the literature in individuals affected with PROM1-related conditions. ClinVar contains an entry for this variant (Variation ID: 347990). An algorithm developed to predict the effect of missense changes on protein structure and function (PolyPhen-2) suggests that this variant is likely to be disruptive. In summary, the available evidence is currently insufficient to determine the role of this variant in disease. Therefore, it has been classified as a Variant of Uncertain Significance.

Dept Of Ophthalmology, Nagoya University
Classification: Likely pathogenic for Retinal dystrophy. Last evaluated: 2023-10-01. Review status: criteria provided, single submitter. Criteria: Submitter's publication. Collection method: research. Allele origin: germline. Affected: yes.

Blueprint Genetics
Classification: Uncertain significance. Last evaluated: 2022-04-05. Review status: criteria provided, single submitter. Criteria: ACMG Guidelines, 2015. Collection method: clinical testing. Allele origin: germline.

Illumina Laboratory Services, Illumina
Classification: Uncertain significance for Stargardt disease 4. Last evaluated: 2018-01-13. Review status: criteria provided, single submitter. Criteria: ICSL Variant Classification Criteria 13 December 2019. Collection method: clinical testing. Allele origin: germline.

Illumina Laboratory Services, Illumina
Classification: Uncertain significance for Retinitis pigmentosa. Last evaluated: 2018-01-13. Review status: criteria provided, single submitter. Criteria: ICSL Variant Classification Criteria 13 December 2019. Collection method: clinical testing. Allele origin: germline.

Illumina Laboratory Services, Illumina
Classification: Uncertain significance for Retinal macular dystrophy type 2. Last evaluated: 2018-01-13. Review status: criteria provided, single submitter. Criteria: ICSL Variant Classification Criteria 13 December 2019. Collection method: clinical testing. Allele origin: germline.

Eurofins Ntd Llc (ga)
Classification: Uncertain significance. Last evaluated: 2016-12-01. Review status: criteria provided, single submitter. Criteria: EGL Classification Definitions 2015. Collection method: clinical testing. Allele origin: germline. Observed: 1 variant allele, 1 heterozygote.

Institute of Human Genetics, Univ. Regensburg, Univ. Regensburg
Classification: Uncertain significance for Retinal dystrophy. Last evaluated: 2019-01-01. Review status: no assertion criteria provided. Criteria: ACMG Guidelines, 2015. Collection method: clinical testing. Allele origin: germline. Affected: yes. Not counted in ClinVar's aggregate classification.